The following is an entry in ClinVar:

ClinVar aggregate classification (germline): Pathogenic (1 of 4 stars; one submission).

Submission:

Labcorp Genetics (formerly Invitae), Labcorp
Classification: Pathogenic. Last evaluated: 2023-11-10. Review status: criteria provided, single submitter. Criteria: Invitae Variant Classification Sherloc (09022015). Collection method: clinical testing. Allele origin: germline.
Comment: This sequence change creates a premature translational stop signal (p.Ala627Aspfs*5) in the SLC12A1 gene. It is expected to result in an absent or disrupted protein product. Loss-of-function variants in SLC12A1 are known to be pathogenic (PMID: 8640224, 9585600, 19096086). This variant is not present in population databases (gnomAD no frequency). This variant has not been reported in the literature in individuals affected with SLC12A1-related conditions. For these reasons, this variant has been classified as Pathogenic.

Literature cited by the submitters: PubMed 8640224; PubMed 9585600; PubMed 19096086.

NM_000338.3(SLC12A1):c.1880_1890del (p.Ala627fs)

Genes: SLC12A1 (solute carrier family 12 member 1; plus strand), LOC126862123 (CDK7 strongly-dependent group 2 enhancer GRCh37_chr15:48543423-48544622; plus strand). Cytogenetic location: 15q21.1.
Variant type: Deletion.
Coding change: c.1880_1890del on transcript NM_000338.3 (MANE Select); coding-DNA positions 1880 to 1890, 11 bases deleted (CAGCTGTCATC).
Protein change: p.Ala627fs; shifts the reading frame from alanine 627.
Molecular consequence: frameshift variant.
Genome position (GRCh38, 1-based): chr15:48,251,708-48,251,718, CAGCTGTCATC deleted. VCF-style (leftmost placement, unchanged base first): chr15-48251707-GCAGCTGTCATC-G. GRCh37 (hg19) VCF-style: chr15-48543904-GCAGCTGTCATC-G.
Other names: c.1880_1890del, p.Ala627fs (NM_001184832.2, NM_001384136.1); short protein forms A627fs.
Identifiers: ClinVar variation 2759185 (VCV002759185.3), dbSNP rs2505099397, ClinGen allele CA2697549045.